The following is an entry in ClinVar:

NM_021098.3(CACNA1H):c.1241G>A (p.Cys414Tyr)

Gene: CACNA1H (calcium voltage-gated channel subunit alpha1 H; plus strand). Cytogenetic location: 16p13.3.
Variant type: single nucleotide variant.
Coding change: c.1241G>A on transcript NM_021098.3 (MANE Select); coding-DNA position 1241, G replaced by A.
Protein change: p.Cys414Tyr; replaces cysteine 414 with tyrosine.
Molecular consequence: missense variant.
Genome position (GRCh38, 1-based): chr16:1,201,691, G>A. VCF-style: chr16-1201691-G-A. GRCh37 (hg19) VCF-style: chr16-1251691-G-A.
Other names: c.1241G>A, p.Cys414Tyr (NM_001005407.2); short protein forms C414Y.
Identifiers: ClinVar variation 385773 (VCV000385773.2), dbSNP rs781525428, ClinGen allele CA16607974.

ClinVar aggregate classification (germline): Uncertain significance (1 of 4 stars; one submission).

gnomAD v4.1: 2 of 1,607,164 alleles (0.00012%); highest among the groups gnomAD compares: Non-Finnish European, 0.00017%; no homozygotes.

Submission:

GeneDx
Classification: Uncertain significance. Last evaluated: 2016-04-21. Review status: criteria provided, single submitter. Criteria: GeneDx Variant Classification (06012015). Collection method: clinical testing. Allele origin: germline. Affected: yes.
Comment: The C414Y variant in the CACNA1H gene has not been reported previously as a pathogenic variant, nor as a benign variant, to our knowledge. This variant was not observed in approximately 6400 individuals of European and African American ancestry in the NHLBI Exome Sequencing Project, indicating it is not a common benign variant in these populations. The C414Y variant is a non-conservative amino acid substitution, which is likely to impact secondary protein structure as these residues differ in polarity, charge, size and/or other properties. This substitution occurs at a position that is conserved across species, and in silico analysis predicts this variant is probably damaging to the protein structure/function. We interpret C414Y as a variant of uncertain significance.